The following is an entry in ClinVar:

ClinVar aggregate classification (germline): Uncertain significance (0 of 4 stars; one submission).

Conditions:
CLPB-related disorder. Also called: CLPB-related condition.

gnomAD v4.1: 5 of 1,613,958 alleles (0.00031%); highest among the groups gnomAD compares: Admixed American, 0.0067%; no homozygotes.

Submission:

PreventionGenetics, part of Exact Sciences
Classification: Uncertain significance for CLPB-related condition. Last evaluated: 2024-05-27. Review status: no assertion criteria provided. Collection method: clinical testing. Allele origin: germline.
Comment: The CLPB c.653G>T variant is predicted to result in the amino acid substitution p.Gly218Val. To our knowledge, this variant has not been reported in the literature. This variant is reported in 0.0087% of alleles in individuals of Latino descent in gnomAD. At this time, the clinical significance of this variant is uncertain due to the absence of conclusive functional and genetic evidence.

NM_030813.6(CLPB):c.653G>T (p.Gly218Val)

Gene: CLPB (ClpB family mitochondrial disaggregase; minus strand). Cytogenetic location: 11q13.4.
Variant type: single nucleotide variant.
Coding change: c.653G>T on transcript NM_030813.6 (MANE Plus Clinical); coding-DNA position 653, G replaced by T.
Protein change: p.Gly218Val; replaces glycine 218 with valine.
Molecular consequence: missense variant. On other transcripts: intron variant (2).
Genome position (GRCh38, 1-based): chr11:72,373,008, C>A on the plus strand (G>T on the coding strand, the complement: CLPB is on the minus strand). VCF-style: chr11-72373008-C-A. GRCh37 (hg19) VCF-style: chr11-72084052-C-A.
Other names: c.518G>T, p.Gly173Val (NM_001258394.3); c.559+7273G>T (NM_001258393.3); c.646+7273G>T (NM_001258392.3); short protein forms G173V, G218V.
Identifiers: ClinVar variation 3349783 (VCV003349783.1).